The following is an entry in ClinVar:

ClinVar aggregate classification (germline): Uncertain significance (1 of 4 stars; one submission).

Allele frequency attached by ClinVar (database versions not stated): TOPMed 0.00002; ExAC 0.00033; gnomAD 0.00001.
gnomAD v4.1: 39 of 1,569,822 alleles (0.0025%); highest among the groups gnomAD compares: Non-Finnish European, 0.0034%; no homozygotes.

Submission:

Labcorp Genetics (formerly Invitae), Labcorp
Classification: Uncertain significance. Last evaluated: 2022-05-19. Review status: criteria provided, single submitter. Criteria: Invitae Variant Classification Sherloc (09022015). Collection method: clinical testing. Allele origin: germline.
Comment: In summary, the available evidence is currently insufficient to determine the role of this variant in disease. Therefore, it has been classified as a Variant of Uncertain Significance. Algorithms developed to predict the effect of missense changes on protein structure and function are either unavailable or do not agree on the potential impact of this missense change (SIFT: "Deleterious"; PolyPhen-2: "Not Available"; Align-GVGD: "Class C0"). This variant has not been reported in the literature in individuals affected with DSCAML1-related conditions. This variant is present in population databases (rs755219849, gnomAD 0.02%). This sequence change replaces alanine, which is neutral and non-polar, with glutamic acid, which is acidic and polar, at codon 27 of the DSCAML1 protein (p.Ala27Glu).

NM_020693.4(DSCAML1):c.-101C>A

Gene: DSCAML1 (DS cell adhesion molecule like 1; minus strand). Cytogenetic location: 11q23.3.
Variant type: single nucleotide variant.
Coding change: c.-101C>A on transcript NM_020693.4 (MANE Select); 101 bases upstream of the start codon, C replaced by A.
Molecular consequence: 5 prime UTR variant. On other transcripts: intron variant (1).
Genome position (GRCh38, 1-based): chr11:117,797,180, G>T on the plus strand (C>A on the coding strand, the complement: DSCAML1 is on the minus strand). VCF-style: chr11-117797180-G-T. GRCh37 (hg19) VCF-style: chr11-117667895-G-T.
Other names: c.-101C>A (NM_001367904.1); c.-362-16370C>A (NM_001367905.1).
Identifiers: ClinVar variation 1915789 (VCV001915789.5), dbSNP rs755219849, ClinGen allele CA6297711.
Genomic context (GRCh38, chr11:117,797,180, plus strand): 5'-GCCGGCCGTGCGGCAGCGCCTCTCCCCCGCTCAGCGCGCTCCCAGCCGCCCGCACTCGGC[G>T]CCCCGCTCTCTCTGCTCCTCAGCCCAGCGCTCGGCTGCGGCGGCGGCTCCTCCCTCCTCG-3'